The following is an entry in ClinVar:

NM_004006.3(DMD):c.264+4A>G

Gene: DMD (dystrophin; minus strand). Cytogenetic location: Xp21.1.
Variant type: single nucleotide variant.
Coding change: c.264+4A>G on transcript NM_004006.3 (MANE Select); 4 bases into the intron after coding-DNA position 264, A replaced by G.
Molecular consequence: intron variant.
Genome position (GRCh38, 1-based): chrX:32,844,779, T>C on the plus strand (A>G on the coding strand, the complement: DMD is on the minus strand). VCF-style: chrX-32844779-T-C. GRCh37 (hg19) VCF-style: chrX-32862896-T-C.
Other names: c.240+4A>G (NM_000109.4); c.252+4A>G (NM_004009.3); c.-106+4A>G (NM_004010.3).
Identifiers: ClinVar variation 659486 (VCV000659486.7), dbSNP rs1159546987, ClinGen allele CA915951001.

ClinVar aggregate classification (germline): Uncertain significance (1 of 4 stars; one submission).

Conditions:
Duchenne muscular dystrophy (DMD). Also called: MUSCULAR DYSTROPHY, PSEUDOHYPERTROPHIC PROGRESSIVE, DUCHENNE TYPE; Duchenne Muscular Dystrophy (DMD). Identifiers: Orphanet 98896, MedGen C0013264, MONDO:0010679, OMIM 310200.

Submission:

Labcorp Genetics (formerly Invitae), Labcorp
Classification: Uncertain significance for Duchenne muscular dystrophy. Last evaluated: 2022-07-06. Review status: criteria provided, single submitter. Criteria: Invitae Variant Classification Sherloc (09022015). Collection method: clinical testing. Allele origin: germline.
Comment: In summary, the available evidence is currently insufficient to determine the role of this variant in disease. Therefore, it has been classified as a Variant of Uncertain Significance. Variants that disrupt the consensus splice site are a relatively common cause of aberrant splicing (PMID: 17576681, 9536098). Algorithms developed to predict the effect of sequence changes on RNA splicing suggest that this variant may disrupt the consensus splice site. ClinVar contains an entry for this variant (Variation ID: 659486). This variant has not been reported in the literature in individuals affected with DMD-related conditions. This variant is not present in population databases (gnomAD no frequency). This sequence change falls in intron 4 of the DMD gene. It does not directly change the encoded amino acid sequence of the DMD protein. It affects a nucleotide within the consensus splice site.

Literature cited by the submitters: PubMed 17576681; PubMed 9536098.